The following is an entry in ClinVar:

NM_000038.6(APC):c.968G>T (p.Gly323Val)

Gene: APC (APC regulator of Wnt signaling pathway; plus strand). Cytogenetic location: 5q22.2.
Variant type: single nucleotide variant.
Coding change: c.968G>T on transcript NM_000038.6 (MANE Select); coding-DNA position 968, G replaced by T.
Protein change: p.Gly323Val; replaces glycine 323 with valine.
Molecular consequence: missense variant. On other transcripts: non-coding transcript variant (2), intron variant (15).
Genome position (GRCh38, 1-based): chr5:112,819,000, G>T. VCF-style: chr5-112819000-G-T. GRCh37 (hg19) VCF-style: chr5-112154697-G-T.
Other names: c.968G>T, p.Gly323Val (NM_001127510.3, NM_001354895.2, NM_001354896.2 and 4 more transcripts); c.914G>T, p.Gly305Val (NM_001127511.3); c.998G>T, p.Gly333Val (NM_001354897.2, NM_001407446.1); c.893G>T, p.Gly298Val (NM_001354898.2, NM_001407451.1); c.884G>T, p.Gly295Val (NM_001354899.2, NM_001407452.1); c.791G>T, p.Gly264Val (NM_001354900.2, NM_001354901.2, NM_001407453.1); c.119G>T, p.Gly40Val (NM_001354906.2, NM_001407470.1); c.85-269G>T (NM_001407472.1, NM_001407471.1); and 5 more; short protein forms G264V, G295V, G298V, G305V, G323V, G333V, G40V.
Identifiers: ClinVar variation 3899320 (VCV003899320.1).
Genomic context (GRCh38, chr5:112,819,000, plus strand): 5'-TGTTTCTAAACTCATTTGGCCCACAGGTGGAAATGGTGTATTCATTGTTGTCAATGCTTG[G>T]TACTCATGATAAGGATGATATGTCGCGAACTTTGCTAGCTATGTCTAGCTCCCAAGACAG-3'
Protein context (NP_000029.2, residues 313-333): EMVYSLLSML[Gly323Val]THDKDDMSRT

ClinVar aggregate classification (germline): Uncertain significance (1 of 4 stars; one submission).

Conditions:
Hereditary cancer-predisposing syndrome. Also called: Neoplastic Syndromes, Hereditary; Tumor predisposition; Hereditary Cancer Syndrome; Hereditary neoplastic syndrome. Identifiers: Orphanet 140162, MedGen C0027672, MeSH D009386, MONDO:0015356.

Submission:

Unidad de Genética Molecular HGU Elche, Hospital General Universitario de Elche
Classification: Uncertain significance for Hereditary cancer-predisposing syndrome. Last evaluated: 2025-05-05. Review status: criteria provided, single submitter. Criteria: ACMG Guidelines, 2015. Collection method: clinical testing. Allele origin: germline. Affected: yes.
Comment: PM2 strong; PP3 strong; BP1 strong